The following is an entry in ClinVar:

NM_133510.4(RAD51B):c.362T>C (p.Met121Thr)

Gene: RAD51B (RAD51 paralog B; plus strand). Cytogenetic location: 14q24.1.
Variant type: single nucleotide variant.
Coding change: c.362T>C on transcript NM_133510.4 (MANE Select); coding-DNA position 362, T replaced by C.
Protein change: p.Met121Thr; replaces methionine 121 with threonine.
Molecular consequence: missense variant.
Genome position (GRCh38, 1-based): chr14:67,865,049, T>C. VCF-style: chr14-67865049-T-C. GRCh37 (hg19) VCF-style: chr14-68331766-T-C.
Other names: c.362T>C, p.Met121Thr (NM_001321809.2, NM_001321810.2, NM_001321812.1 and 6 more transcripts); c.248T>C, p.Met83Thr (NM_001321815.1); c.5T>C, p.Met2Thr (NM_001321817.2); short protein forms M2T, M83T, M121T.
Identifiers: ClinVar variation 3786355 (VCV003786355.1).

ClinVar aggregate classification (germline): Uncertain significance (1 of 4 stars; one submission).

Submission:

Ambry Genetics
Classification: Uncertain significance. Last evaluated: 2024-12-23. Review status: criteria provided, single submitter. Criteria: Ambry Variant Classification Scheme 2023. Collection method: clinical testing. Allele origin: germline.
Comment: The p.M121T variant (also known as c.362T>C), located in coding exon 4 of the RAD51B gene, results from a T to C substitution at nucleotide position 362. The methionine at codon 121 is replaced by threonine, an amino acid with similar properties. This variant was identified in a hereditary breast and ovarian cancer cohort (Golmard L et al. Eur J Hum Genet, 2017 Dec;25:1345-1353). This amino acid position is well conserved in available vertebrate species. In addition, the in silico prediction for this alteration is inconclusive. The evidence for this gene-disease relationship is limited; therefore, the clinical significance of this alteration is unclear.

Literature cited by the submitters: PubMed 29255180.